The following is an entry in ClinVar:

NM_004100.5(EYA4):c.1373C>A (p.Ala458Glu)

Genes: TARID (TCF21 antisense RNA inducing promoter demethylation; minus strand), EYA4 (EYA transcriptional coactivator and phosphatase 4; plus strand). Cytogenetic location: 6q23.2.
Variant type: single nucleotide variant.
Coding change: c.1373C>A on transcript NM_004100.5 (MANE Select); coding-DNA position 1373, C replaced by A.
Protein change: p.Ala458Glu; replaces alanine 458 with glutamic acid.
Molecular consequence: missense variant.
Genome position (GRCh38, 1-based): chr6:133,512,910, C>A. VCF-style: chr6-133512910-C-A. GRCh37 (hg19) VCF-style: chr6-133834048-C-A.
Other names: c.1211C>A, p.Ala404Glu (NM_001301012.2); c.1391C>A, p.Ala464Glu (NM_001301013.2); c.1304C>A, p.Ala435Glu (NM_001370458.1, NM_172103.4); c.1229C>A, p.Ala410Glu (NM_001370459.1); c.1373C>A, p.Ala458Glu (NM_172105.4); short protein forms A410E, A458E, A404E, A435E, A464E.
Identifiers: ClinVar variation 3091322 (VCV003091322.3), dbSNP rs756914561, ClinGen allele CA4008354.
Genomic context (GRCh38, chr6:133,512,910, plus strand): 5'-TCTTTTTAATGTATTTTGGGTGTTACAGTACCTACAGTTTTGCAACTGATGGCTTCCATG[C>A]AGCTGCAAGTAGTGCAAACCTTTGTTTGCCAACAGGTGTAAGAGGAGGGGTTGACTGGAT-3'
Protein context (NP_004091.3, residues 448-468): TYSFATDGFH[Ala458Glu]AASSANLCLP

ClinVar aggregate classification (germline): Uncertain significance. Review status: criteria provided, multiple submitters, no conflicts (2 of 4 stars). 2 submissions from 2 submitters: Uncertain significance (2). Last evaluated 2024-03-01.

Conditions:
Cardiovascular phenotype. Identifiers: MedGen CN230736.
Dilated cardiomyopathy 1J (CMD1J). Also called: CARDIOMYOPATHY, DILATED, WITH SENSORINEURAL HEARING LOSS, AUTOSOMAL DOMINANT. Identifiers: Orphanet 217622, MedGen C1854368, MONDO:0011541, OMIM 605362.

Allele frequency attached by ClinVar (database versions not stated): gnomAD exomes below 0.00001; ExAC 0.00001.
gnomAD v4.1: 1 of 1,614,054 alleles (0.000062%); highest among the groups gnomAD compares: South Asian, 0.0011%; no homozygotes.

Submissions (2):

Labcorp Genetics (formerly Invitae), Labcorp
Classification: Uncertain significance for Dilated cardiomyopathy 1J. Last evaluated: 2024-03-01. Review status: criteria provided, single submitter. Criteria: Invitae Variant Classification Sherloc (09022015). Collection method: clinical testing. Allele origin: germline.
Comment: This sequence change replaces alanine, which is neutral and non-polar, with glutamic acid, which is acidic and polar, at codon 458 of the EYA4 protein (p.Ala458Glu). This variant is present in population databases (rs756914561, gnomAD 0.003%). This variant has not been reported in the literature in individuals affected with EYA4-related conditions. Advanced modeling of protein sequence and biophysical properties (such as structural, functional, and spatial information, amino acid conservation, physicochemical variation, residue mobility, and thermodynamic stability) performed at Invitae indicates that this missense variant is not expected to disrupt EYA4 protein function with a negative predictive value of 80%. In summary, the available evidence is currently insufficient to determine the role of this variant in disease. Therefore, it has been classified as a Variant of Uncertain Significance.

Ambry Genetics
Classification: Uncertain significance for Cardiovascular phenotype. Last evaluated: 2024-01-29. Review status: criteria provided, single submitter. Criteria: Ambry Variant Classification Scheme 2023. Collection method: clinical testing. Allele origin: germline.